The following is an entry in ClinVar:

ClinVar aggregate classification (germline): Uncertain significance (1 of 4 stars; one submission).

Allele frequency attached by ClinVar (database versions not stated): gnomAD exomes below 0.00001.
gnomAD v4.1: 8 of 1,613,540 alleles (0.0005%); highest among the groups gnomAD compares: Non-Finnish European, 0.00051%; no homozygotes.

Submission:

Labcorp Genetics (formerly Invitae), Labcorp
Classification: Uncertain significance. Last evaluated: 2022-08-01. Review status: criteria provided, single submitter. Criteria: Invitae Variant Classification Sherloc (09022015). Collection method: clinical testing. Allele origin: germline.
Comment: This sequence change replaces histidine, which is basic and polar, with tyrosine, which is neutral and polar, at codon 381 of the IMPDH1 protein (p.His381Tyr). This variant is present in population databases (no rsID available, gnomAD 0.006%). This variant has not been reported in the literature in individuals affected with IMPDH1-related conditions. Algorithms developed to predict the effect of missense changes on protein structure and function are either unavailable or do not agree on the potential impact of this missense change (SIFT: "Deleterious"; PolyPhen-2: "Benign"; Align-GVGD: "Class C15"). In summary, the available evidence is currently insufficient to determine the role of this variant in disease. Therefore, it has been classified as a Variant of Uncertain Significance.

NM_000883.4(IMPDH1):c.1141C>T (p.His381Tyr)

Gene: IMPDH1 (inosine monophosphate dehydrogenase 1; minus strand). Cytogenetic location: 7q32.1.
Variant type: single nucleotide variant.
Coding change: c.1141C>T on transcript NM_000883.4 (MANE Select); coding-DNA position 1141, C replaced by T.
Protein change: p.His381Tyr; replaces histidine 381 with tyrosine.
Molecular consequence: missense variant.
Genome position (GRCh38, 1-based): chr7:128,396,956, G>A on the plus strand (C>T on the coding strand, the complement: IMPDH1 is on the minus strand). VCF-style: chr7-128396956-G-A. GRCh37 (hg19) VCF-style: chr7-128037010-G-A.
Other names: c.1111C>T, p.His371Tyr (NM_001102605.2); c.886C>T, p.His296Tyr (NM_001142573.2); c.871C>T, p.His291Tyr (NM_001142574.2); c.811C>T, p.His271Tyr (NM_001142575.2); c.1042C>T, p.His348Tyr (NM_001142576.2); c.934C>T, p.His312Tyr (NM_001304521.2); c.1033C>T, p.His345Tyr (NM_183243.3); short protein forms H271Y, H291Y, H296Y, H312Y, H345Y, H348Y, H371Y, H381Y.
Identifiers: ClinVar variation 1714677 (VCV001714677.5), dbSNP rs1267992989, ClinGen allele CA369165922.